The following is an entry in ClinVar:

NM_019042.5(PUS7):c.1050-7C>G

Gene: PUS7 (pseudouridine synthase 7; minus strand). Cytogenetic location: 7q22.3.
Variant type: single nucleotide variant.
Coding change: c.1050-7C>G on transcript NM_019042.5 (MANE Select); 7 bases into the intron before coding-DNA position 1050, C replaced by G.
Molecular consequence: intron variant.
Genome position (GRCh38, 1-based): chr7:105,481,184, G>C on the plus strand (C>G on the coding strand, the complement: PUS7 is on the minus strand). VCF-style: chr7-105481184-G-C. GRCh37 (hg19) VCF-style: chr7-105121631-G-C.
Other names: NC_000007.13:g.105121631G>C; c.1068-7C>G (NM_001318163.1); c.1050-7C>G (NM_001318164.2).
Identifiers: ClinVar variation 3050135 (VCV003050135.5), dbSNP rs78178635, ClinGen allele CA4425977.
Genomic context (GRCh38, chr7:105,481,184, plus strand): 5'-TCCTTGAGAGAGTTCATAGCTTGCTGTACTTGGTCATCAGTTCCTGTTATATTTCTACAG[G>C]GACACAAATTATCCAGAGGAAAAAAAGTTACAGTCAAATACTCAGGGATGCAGCTCATAA-3'

ClinVar aggregate classification (germline): Likely benign. Review status: criteria provided, single submitter (1 of 4 stars). 2 submissions from 2 submitters: Likely benign (1). 1 of the submissions does not count toward it. Last evaluated 2026-05-01.

Conditions:
PUS7-related disorder. Also called: PUS7-related condition.

Allele frequency attached by ClinVar (database versions not stated): gnomAD exomes 0.00028; ExAC 0.00109; 1000 Genomes Project 0.00280; 1000 Genomes Project 30x 0.00297; gnomAD 0.00319; TOPMed 0.00360; ESP Exome Variant Server 0.00423.
gnomAD v4.1: 920 of 1,602,058 alleles (0.057%); highest among the groups gnomAD compares: African/African-American, 1.1%; 2 homozygotes.

Submissions (4):

CeGaT Center for Human Genetics Tuebingen
Classification: Likely benign. Last evaluated: 2026-05-01. Review status: criteria provided, single submitter. Criteria: CeGaT Center For Human Genetics Tuebingen Variant Classification Criteria Version 2. Collection method: clinical testing. Allele origin: germline. Affected: yes. Observed: 1 variant allele.
Comment: PUS7: BP4, BS1

PreventionGenetics, part of Exact Sciences
Classification: Benign for PUS7-related condition. Last evaluated: 2019-07-16. Review status: no assertion criteria provided. Collection method: clinical testing. Allele origin: germline. Not counted in ClinVar's aggregate classification.
Comment: This variant is classified as benign based on ACMG/AMP sequence variant interpretation guidelines (Richards et al. 2015 PMID: 25741868, with internal and published modifications).

Dr. Peter K. Rogan Lab, Western University
No classification provided (evidence only). Condition: Uterine corpus endometrial carcinoma. Review status: no classification provided. Collection method: in vitro. Allele origin: not applicable. Functional consequence: retained intron. Not counted in ClinVar's aggregate classification.

Dr. Peter K. Rogan Lab, Western University
No classification provided (evidence only). Condition: Uterine corpus endometrial carcinoma. Review status: no classification provided. Collection method: in vitro. Allele origin: not applicable. Functional consequence: retained intron. Not counted in ClinVar's aggregate classification.